The following is an entry in ClinVar:

ClinVar aggregate classification (germline): Uncertain significance (1 of 4 stars; one submission).

Conditions:
Oligodontia-cancer predisposition syndrome. Also called: TOOTH AGENESIS-COLORECTAL CANCER SYNDROME. Identifiers: Orphanet 300576, MedGen C1837750, MONDO:0012075, OMIM 608615. Disease mechanism: loss of function.

Submission:

Labcorp Genetics (formerly Invitae), Labcorp
Classification: Uncertain significance for Oligodontia-cancer predisposition syndrome. Last evaluated: 2021-07-30. Review status: criteria provided, single submitter. Criteria: Invitae Variant Classification Sherloc (09022015). Collection method: clinical testing. Allele origin: germline.
Comment: This sequence change replaces methionine with threonine at codon 120 of the AXIN2 protein (p.Met120Thr). The methionine residue is highly conserved and there is a moderate physicochemical difference between methionine and threonine. This variant is not present in population databases (ExAC no frequency). This variant has not been reported in the literature in individuals affected with AXIN2-related conditions. Algorithms developed to predict the effect of missense changes on protein structure and function are either unavailable or do not agree on the potential impact of this missense change (SIFT: "Deleterious"; PolyPhen-2: "Probably Damaging"; Align-GVGD: "Class C0"). In summary, the available evidence is currently insufficient to determine the role of this variant in disease. Therefore, it has been classified as a Variant of Uncertain Significance.

NM_004655.4(AXIN2):c.359T>C (p.Met120Thr)

Gene: AXIN2 (axin 2; minus strand). Cytogenetic location: 17q24.1.
Variant type: single nucleotide variant.
Coding change: c.359T>C on transcript NM_004655.4 (MANE Select); coding-DNA position 359, T replaced by C.
Protein change: p.Met120Thr; replaces methionine 120 with threonine.
Molecular consequence: missense variant.
Genome position (GRCh38, 1-based): chr17:65,558,262, A>G on the plus strand (T>C on the coding strand, the complement: AXIN2 is on the minus strand). VCF-style: chr17-65558262-A-G. GRCh37 (hg19) VCF-style: chr17-63554380-A-G.
Other names: c.359T>C, p.Met120Thr (NM_001363813.1); short protein forms M120T.
Identifiers: ClinVar variation 1508876 (VCV001508876.6), dbSNP rs2144587222, ClinGen allele CA400681567.